The following is an entry in ClinVar:

NM_001267550.2(TTN):c.64314del (p.Lys21438fs)

Genes: TTN (titin; minus strand), TTN-AS1 (TTN antisense RNA 1; plus strand). Cytogenetic location: 2q31.2.
Variant type: Deletion.
Coding change: c.64314del on transcript NM_001267550.2 (MANE Select); coding-DNA position 64314, one base deleted (A; older notation c.64314delA).
Protein change: p.Lys21438fs; shifts the reading frame from lysine 21438.
Molecular consequence: frameshift variant.
Genome position (GRCh38, 1-based): chr2:178,586,587, T deleted on the plus strand (A on the coding strand, the reverse complement: TTN is on the minus strand); the first of 3 consecutive T bases (chr2:178,586,587-178,586,589); deleting any one gives the same sequence. VCF-style (leftmost placement, unchanged base first): chr2-178586586-AT-A. GRCh37 (hg19) VCF-style: chr2-179451313-AT-A.
Other names: c.59391del, p.Lys19797fs (NM_001256850.1); c.37119del, p.Lys12373fs (NM_003319.4); c.56610del, p.Lys18870fs (NM_133378.4); c.37494del, p.Lys12498fs (NM_133432.3); c.37695del, p.Lys12565fs (NM_133437.4); short protein forms K12373fs, K12498fs, K21438fs, K12565fs, K18870fs, K19797fs.
Identifiers: ClinVar variation 1510267 (VCV001510267.8), dbSNP rs2154181503, ClinGen allele CA2573134189.

ClinVar aggregate classification (germline): Likely pathogenic (1 of 4 stars; one submission).

Conditions:
Dilated cardiomyopathy 1G (CMD1G). Identifiers: Orphanet 154, MedGen C1858763, MONDO:0011400, OMIM 604145.
Autosomal recessive limb-girdle muscular dystrophy type 2J (LGMDR10). Also called: Limb-girdle muscular dystrophy, type 2J; MUSCULAR DYSTROPHY, LIMB-GIRDLE, AUTOSOMAL RECESSIVE 10. Identifiers: Orphanet 140922, MedGen C1837342, MONDO:0012127, OMIM 608807.

Submission:

Labcorp Genetics (formerly Invitae), Labcorp
Classification: Likely pathogenic for Dilated cardiomyopathy 1G; Autosomal recessive limb-girdle muscular dystrophy type 2J. Last evaluated: 2021-05-20. Review status: criteria provided, single submitter. Criteria: Invitae Variant Classification Sherloc (09022015). Collection method: clinical testing. Allele origin: germline.
Comment: In summary, the currently available evidence indicates that the variant is pathogenic, but additional data are needed to prove that conclusively. Therefore, this variant has been classified as Likely Pathogenic. This variant is located in the A band of TTN (PMID: 25589632). Truncating variants in this region are significantly overrepresented in patients affected with dilated cardiomyopathy (PMID: 25589632). Truncating variants in this region have also been reported in individuals affected with autosomal recessive centronuclear myopathy (PMID: 23975875). This variant has not been reported in the literature in individuals with TTN-related conditions. This variant is not present in population databases (ExAC no frequency). This sequence change creates a premature translational stop signal (p.Lys21438Asnfs*4) in the TTN gene. While this is not anticipated to result in nonsense mediated decay, it is expected to create a truncated TTN protein.

Literature cited by the submitters: PubMed 25589632; PubMed 23975875.